The following is an entry in ClinVar:

NM_000237.3(LPL):c.854C>T (p.Pro285Leu)

Gene: LPL (lipoprotein lipase; plus strand). Cytogenetic location: 8p21.3.
Variant type: single nucleotide variant.
Coding change: c.854C>T on transcript NM_000237.3 (MANE Select); coding-DNA position 854, C replaced by T.
Protein change: p.Pro285Leu; replaces proline 285 with leucine.
Molecular consequence: missense variant.
Genome position (GRCh38, 1-based): chr8:19,955,919, C>T. VCF-style: chr8-19955919-C-T. GRCh37 (hg19) VCF-style: chr8-19813430-C-T.
Other names: short protein forms P285L.
Identifiers: ClinVar variation 4993877 (VCV004993877.1).

ClinVar aggregate classification (germline): Uncertain significance (1 of 4 stars; one submission).

Conditions:
LPL-related disorder. Also called: LPL-related condition.

gnomAD v4.1: 4 of 1,614,128 alleles (0.00025%); highest among the groups gnomAD compares: Non-Finnish European, 0.00034%; no homozygotes.

Submission:

PreventionGenetics, part of Exact Sciences
Classification: Uncertain significance for LPL-related condition. Last evaluated: 2026-05-13. Review status: criteria provided, single submitter. Criteria: ACMG Guidelines, 2015. Collection method: clinical testing. Allele origin: germline.
Comment: The LPL c.854C>T variant is predicted to result in the amino acid substitution p.Pro285Leu. This variant has been reported in a cohort study with hypertriglyceridemia (Table S2, Deshotels et al. 2022. PubMed ID: 36325899). This variant has not been reported in a large population database (gnomAD), indicating this variant is rare. At this time, the clinical significance of this variant is uncertain due to the absence of conclusive functional and genetic evidence.